The following is an entry in ClinVar:

NM_032108.4(SEMA6B):c.2023G>T (p.Val675Phe)

Gene: SEMA6B (semaphorin 6B; minus strand). Cytogenetic location: 19p13.3.
Variant type: single nucleotide variant.
Coding change: c.2023G>T on transcript NM_032108.4 (MANE Select); coding-DNA position 2023, G replaced by T.
Protein change: p.Val675Phe; replaces valine 675 with phenylalanine.
Molecular consequence: missense variant.
Genome position (GRCh38, 1-based): chr19:4,544,245, C>A on the plus strand (G>T on the coding strand, the complement: SEMA6B is on the minus strand). VCF-style: chr19-4544245-C-A. GRCh37 (hg19) VCF-style: chr19-4544257-C-A.
Other names: short protein forms V675F.
Identifiers: ClinVar variation 4088042 (VCV004088042.1).

ClinVar aggregate classification (germline): Uncertain significance (1 of 4 stars; one submission).

Submission:

GeneDx
Classification: Uncertain significance. Last evaluated: 2025-03-26. Review status: criteria provided, single submitter. Criteria: GeneDx Variant Classification Process June 2021. Collection method: clinical testing. Allele origin: germline. Affected: yes.
Comment: Not observed at significant frequency in large population cohorts (gnomAD); In silico analysis indicates that this missense variant does not alter protein structure/function; Has not been previously published as pathogenic or benign to our knowledge